The following is an entry in ClinVar:

NC_000011.9:g.(?_94223979)_(94224151_?)del

Gene: MRE11 (MRE11 homolog, double strand break repair nuclease; minus strand). Cytogenetic location: 11q21.
Variant type: Deletion.
Identifiers: ClinVar variation 3244635 (VCV003244635.1).

ClinVar aggregate classification (germline): Pathogenic (1 of 4 stars; one submission).

Conditions:
Ataxia-telangiectasia-like disorder (ATLD). Identifiers: MedGen C1858391, MONDO:0011457.

Submission:

Labcorp Genetics (formerly Invitae), Labcorp
Classification: Pathogenic for Ataxia-telangiectasia-like disorder. Last evaluated: 2024-01-11. Review status: criteria provided, single submitter. Criteria: Invitae Variant Classification Sherloc (09022015). Collection method: clinical testing. Allele origin: unknown.
Comment: This variant is a gross deletion of the genomic region encompassing exon(s) 3 of the MRE11 gene. This deletion is out-of-frame, and is expected to create a premature termination codon and result in an absent or disrupted protein product. Loss-of-function variants in MRE11 are known to be pathogenic (PMID: 23080121, 23912341). This variant has not been reported in the literature in individuals affected with MRE11-related conditions. For these reasons, this variant has been classified as Pathogenic.

Literature cited by the submitters: PubMed 23080121; PubMed 23912341.